The following is an entry in ClinVar:

ClinVar aggregate classification (germline): Uncertain significance. Review status: criteria provided, multiple submitters, no conflicts (2 of 4 stars). 2 submissions from 2 submitters: Uncertain significance (2). Last evaluated 2025-12-06.

Conditions:
MAGEL2-related disorder. Also called: MAGEL2-related condition.

gnomAD v4.1: 5 of 1,613,930 alleles (0.00031%); highest among the groups gnomAD compares: East Asian, 0.0022%; no homozygotes.

Submissions (2):

PreventionGenetics, part of Exact Sciences
Classification: Uncertain significance for MAGEL2-related condition. Last evaluated: 2025-12-06. Review status: criteria provided, single submitter. Criteria: ACMG Guidelines, 2015. Collection method: clinical testing. Allele origin: germline.
Comment: The MAGEL2 c.2231C>T variant is predicted to result in the amino acid substitution p.Ala744Val. To our knowledge, this variant has not been reported in the literature. This variant is reported in 0.0029% of alleles in individuals of Latino descent in gnomAD. At this time, the clinical significance of this variant is uncertain due to the absence of conclusive functional and genetic evidence.

Labcorp Genetics (formerly Invitae), Labcorp
Classification: Uncertain significance. Last evaluated: 2024-04-15. Review status: criteria provided, single submitter. Criteria: Invitae Variant Classification Sherloc (09022015). Collection method: clinical testing. Allele origin: germline.
Comment: This sequence change replaces alanine, which is neutral and non-polar, with valine, which is neutral and non-polar, at codon 744 of the MAGEL2 protein (p.Ala744Val). This variant is present in population databases (rs762952665, gnomAD 0.003%). This variant has not been reported in the literature in individuals affected with MAGEL2-related conditions. Advanced modeling of protein sequence and biophysical properties (such as structural, functional, and spatial information, amino acid conservation, physicochemical variation, residue mobility, and thermodynamic stability) performed at Invitae indicates that this missense variant is not expected to disrupt MAGEL2 protein function with a negative predictive value of 80%. In summary, the available evidence is currently insufficient to determine the role of this variant in disease. Therefore, it has been classified as a Variant of Uncertain Significance.

NM_019066.5(MAGEL2):c.2231C>T (p.Ala744Val)

Gene: MAGEL2 (MAGE family member L2; minus strand). Cytogenetic location: 15q11.2.
Variant type: single nucleotide variant.
Coding change: c.2231C>T on transcript NM_019066.5 (MANE Select); coding-DNA position 2231, C replaced by T.
Protein change: p.Ala744Val; replaces alanine 744 with valine.
Molecular consequence: missense variant.
Genome position (GRCh38, 1-based): chr15:23,645,512, G>A on the plus strand (C>T on the coding strand, the complement: MAGEL2 is on the minus strand). VCF-style: chr15-23645512-G-A. GRCh37 (hg19) VCF-style: chr15-23890659-G-A.
Other names: c.2231C>T (NM_019066.4); short protein forms A744V.
Identifiers: ClinVar variation 2987494 (VCV002987494.4), dbSNP rs762952665, ClinGen allele CA267659289.